The following is an entry in ClinVar:

NM_015261.3(NCAPD3):c.3105C>T (p.Phe1035=)

Gene: NCAPD3 (non-SMC condensin II complex subunit D3; minus strand). Cytogenetic location: 11q25.
Variant type: single nucleotide variant.
Coding change: c.3105C>T on transcript NM_015261.3 (MANE Select); coding-DNA position 3105, C replaced by T.
Protein change: p.Phe1035=; no amino-acid change (phenylalanine 1035 retained).
Molecular consequence: synonymous variant.
Genome position (GRCh38, 1-based): chr11:134,169,051, G>A on the plus strand (C>T on the coding strand, the complement: NCAPD3 is on the minus strand). VCF-style: chr11-134169051-G-A. GRCh37 (hg19) VCF-style: chr11-134038946-G-A.
Other names: c.3105C>T, p.Phe1035= (NM_001372065.1, NM_001372068.1); c.2691C>T, p.Phe897= (NM_001372069.1, NM_001372070.1).
Identifiers: ClinVar variation 2642552 (VCV002642552.25), dbSNP rs765047707, ClinGen allele CA6371015.

ClinVar aggregate classification (germline): Likely benign. Review status: criteria provided, multiple submitters, no conflicts (2 of 4 stars). 2 submissions from 2 submitters: Likely benign (2). Last evaluated 2024-06-07.

Allele frequency attached by ClinVar (database versions not stated): ExAC 0.00002; gnomAD 0.00002; TOPMed 0.00004; gnomAD exomes 0.00001.
gnomAD v4.1: 23 of 1,613,006 alleles (0.0014%); highest among the groups gnomAD compares: Middle Eastern, 0.049%; no homozygotes.

Submissions (2):

Blueprint Genetics
Classification: Likely benign. Last evaluated: 2024-06-07. Review status: criteria provided, single submitter. Criteria: ACMG Guidelines, 2015. Collection method: clinical testing. Allele origin: germline.

CeGaT Center for Human Genetics Tuebingen
Classification: Likely benign. Last evaluated: 2022-10-01. Review status: criteria provided, single submitter. Criteria: CeGaT Center For Human Genetics Tuebingen Variant Classification Criteria Version 2. Collection method: clinical testing. Allele origin: germline. Affected: yes. Observed: 1 variant allele.
Comment: NCAPD3: BP4, BP7